The following is an entry in ClinVar:

NM_014915.3(ANKRD26):c.2666T>C (p.Ile889Thr)

Gene: ANKRD26 (ankyrin repeat domain 26; minus strand). Cytogenetic location: 10p12.1.
Variant type: single nucleotide variant.
Coding change: c.2666T>C on transcript NM_014915.3 (MANE Select); coding-DNA position 2666, T replaced by C.
Protein change: p.Ile889Thr; replaces isoleucine 889 with threonine.
Molecular consequence: missense variant.
Genome position (GRCh38, 1-based): chr10:27,037,217, A>G on the plus strand (T>C on the coding strand, the complement: ANKRD26 is on the minus strand). VCF-style: chr10-27037217-A-G. GRCh37 (hg19) VCF-style: chr10-27326146-A-G.
Other names: c.2663T>C, p.Ile888Thr (NM_001256053.2); short protein forms I888T, I889T.
Identifiers: ClinVar variation 1312579 (VCV001312579.8), dbSNP rs752171605, ClinGen allele CA5448178.
Genomic context (GRCh38, chr10:27,037,217, plus strand): 5'-TTGAAAATGACTAAAGGAAATAGAAATACCTCAGAATTCATTTTCTTTTGAGCCATTTCA[A>G]TCTCCTTTTGTTTGGAAAGGTGATTGGTCAGAATTCCATCTTGTAACATTCTGGCATTCT-3'
Protein context (NP_055730.2, residues 879-899): LTNHLSKQKE[Ile889Thr]EMAQKKMNSE

ClinVar aggregate classification (germline): Uncertain significance. Review status: criteria provided, multiple submitters, no conflicts (2 of 4 stars). 3 submissions from 3 submitters: Uncertain significance (3). Last evaluated 2024-12-12.

Conditions:
Inborn genetic diseases. Identifiers: MedGen C0950123, MeSH D030342.

Allele frequency attached by ClinVar (database versions not stated): ExAC 0.00001; gnomAD exomes 0.00001; TOPMed 0.00001.
gnomAD v4.1: 21 of 1,613,686 alleles (0.0013%); highest among the groups gnomAD compares: Non-Finnish European, 0.0017%; no homozygotes.

Submissions (3):

Ambry Genetics
Classification: Uncertain significance for Inborn genetic diseases. Last evaluated: 2024-12-12. Review status: criteria provided, single submitter. Criteria: Ambry Variant Classification Scheme 2023. Collection method: clinical testing. Allele origin: germline.
Comment: The p.I889T variant (also known as c.2666T>C), located in coding exon 23 of the ANKRD26 gene, results from a T to C substitution at nucleotide position 2666. The isoleucine at codon 889 is replaced by threonine, an amino acid with similar properties. This amino acid position is conserved. In addition, this alteration is predicted to be tolerated by in silico analysis. Based on the available evidence, the clinical significance of this variant remains unclear.

Labcorp Genetics (formerly Invitae), Labcorp
Classification: Uncertain significance. Last evaluated: 2024-08-07. Review status: criteria provided, single submitter. Criteria: Invitae Variant Classification Sherloc (09022015). Collection method: clinical testing. Allele origin: germline.
Comment: This sequence change replaces isoleucine, which is neutral and non-polar, with threonine, which is neutral and polar, at codon 889 of the ANKRD26 protein (p.Ile889Thr). This variant is present in population databases (rs752171605, gnomAD 0.002%). This variant has not been reported in the literature in individuals affected with ANKRD26-related conditions. ClinVar contains an entry for this variant (Variation ID: 1312579). An algorithm developed to predict the effect of missense changes on protein structure and function (PolyPhen-2) suggests that this variant is likely to be disruptive. In summary, the available evidence is currently insufficient to determine the role of this variant in disease. Therefore, it has been classified as a Variant of Uncertain Significance.

GeneDx
Classification: Uncertain significance. Last evaluated: 2022-06-02. Review status: criteria provided, single submitter. Criteria: GeneDx Variant Classification Process June 2021. Collection method: clinical testing. Allele origin: germline. Affected: yes.
Comment: Not observed at significant frequency in large population cohorts (gnomAD); In silico analysis supports that this missense variant has a deleterious effect on protein structure/function; Has not been previously published as pathogenic or benign to our knowledge